The following is an entry in ClinVar:

NM_005476.7(GNE):c.1103C>T (p.Pro368Leu)

Gene: GNE (glucosamine (UDP-N-acetyl)-2-epimerase/N-acetylmannosamine kinase; minus strand). Cytogenetic location: 9p13.3.
Variant type: single nucleotide variant.
Coding change: c.1103C>T on transcript NM_005476.7 (MANE Select); coding-DNA position 1103, C replaced by T.
Protein change: p.Pro368Leu; replaces proline 368 with leucine.
Molecular consequence: missense variant.
Genome position (GRCh38, 1-based): chr9:36,227,426, G>A on the plus strand (C>T on the coding strand, the complement: GNE is on the minus strand). VCF-style: chr9-36227426-G-A. GRCh37 (hg19) VCF-style: chr9-36227423-G-A.
Other names: c.1196C>T, p.Pro399Leu (NM_001128227.3); c.1103C>T, p.Pro368Leu (NM_001190383.3); c.773C>T, p.Pro258Leu (NM_001190384.3); c.926C>T, p.Pro309Leu (NM_001190388.2, NM_001374798.1); c.950C>T, p.Pro317Leu (NM_001374797.1); short protein forms P258L, P309L, P317L, P368L, P399L.
Identifiers: ClinVar variation 4688221 (VCV004688221.1).
Genomic context (GRCh38, chr9:36,227,426, plus strand): 5'-CAGAATTTCTTTTGCAGTGGCTCTTGAAGATCGATAGATTTGAGAAACTTCAAAATCCTT[G>A]GAACAGCATTTCCATCCCCATATATCTTTGAACTGCAATATACAAAAAGTCAATTAAATT-3'
Protein context (NP_005467.1, residues 358-378): SKIYGDGNAV[Pro368Leu]RILKFLKSID

ClinVar aggregate classification (germline): Uncertain significance (1 of 4 stars; one submission).

gnomAD v4.1: 1 of 1,611,526 alleles (0.000062%); highest among the groups gnomAD compares: East Asian, 0.0022%; no homozygotes.

Submission:

Women's Health and Genetics/Laboratory Corporation of America, LabCorp
Classification: Uncertain significance. Last evaluated: 2025-12-18. Review status: criteria provided, single submitter. Criteria: LabCorp Variant Classification Summary - May 2015. Collection method: clinical testing. Allele origin: germline.
Comment: Variant summary: GNE c.1196C>T (p.Pro399Leu) results in a non-conservative amino acid change in the encoded protein sequence. Algorithms developed to predict the effect of missense changes on protein structure and function all suggest that this variant is likely to be disruptive. The variant was absent in 251368 control chromosomes. The available data on variant occurrences in the general population are insufficient to allow any conclusion about variant significance. c.1196C>T has been observed in individual(s) affected with GNE myopathy without detailed clinical information (Huang_2024). These report(s) do not provide unequivocal conclusions about association of the variant with Inclusion Body Myopathy 2 and other GNE related diseases. To our knowledge, no experimental evidence demonstrating an impact on protein function has been reported. The following publication has been ascertained in the context of this evaluation (PMID: 39332896). No submitters have cited clinical-significance assessments for this variant to ClinVar. Based on the evidence outlined above, the variant was classified as uncertain significance.

Literature cited by the submitters: PubMed 39332896.